The following is an entry in ClinVar:

ClinVar aggregate classification (germline): Uncertain significance (1 of 4 stars; one submission).

Conditions:
POLD1-related polyposis and colorectal cancer syndrome (CRCS10). Also called: Colorectal cancer 10; COLORECTAL CANCER, SUSCEPTIBILITY TO, ON CHROMOSOME 19q; Colorectal cancer, susceptibility to, 10. Identifiers: Orphanet 220460, MedGen C2675481, MONDO:0012953, OMIM 612591.

Submission:

Labcorp Genetics (formerly Invitae), Labcorp
Classification: Uncertain significance for POLD1-related polyposis and colorectal cancer syndrome. Last evaluated: 2019-12-05. Review status: criteria provided, single submitter. Criteria: Invitae Variant Classification Sherloc (09022015). Collection method: clinical testing. Allele origin: germline.
Comment: In summary, the available evidence is currently insufficient to determine the role of this variant in disease. Therefore, it has been classified as a Variant of Uncertain Significance. Algorithms developed to predict the effect of missense changes on protein structure and function (SIFT, PolyPhen-2, Align-GVGD) all suggest that this variant is likely to be tolerated, but these predictions have not been confirmed by published functional studies and their clinical significance is uncertain. This variant has not been reported in the literature in individuals with POLD1-related conditions. This variant is not present in population databases (ExAC no frequency). This sequence change replaces isoleucine with leucine at codon 385 of the POLD1 protein (p.Ile385Leu). The isoleucine residue is weakly conserved and there is a small physicochemical difference between isoleucine and leucine.

NM_002691.4(POLD1):c.1153A>C (p.Ile385Leu)

Gene: POLD1 (DNA polymerase delta 1, catalytic subunit; plus strand). Cytogenetic location: 19q13.33.
Variant type: single nucleotide variant.
Coding change: c.1153A>C on transcript NM_002691.4 (MANE Select); coding-DNA position 1153, A replaced by C.
Protein change: p.Ile385Leu; replaces isoleucine 385 with leucine.
Molecular consequence: missense variant. On other transcripts: non-coding transcript variant (1).
Genome position (GRCh38, 1-based): chr19:50,403,508, A>C. VCF-style: chr19-50403508-A-C. GRCh37 (hg19) VCF-style: chr19-50906765-A-C.
Other names: c.1153A>C, p.Ile385Leu (NM_001256849.1, NM_001308632.1); short protein forms I385L.
Identifiers: ClinVar variation 848689 (VCV000848689.9), dbSNP rs1210212980, ClinGen allele CA406978453.